The following is an entry in ClinVar:

NM_000448.3(RAG1):c.1117A>G (p.Asn373Asp)

Gene: RAG1 (recombination activating 1; plus strand). Cytogenetic location: 11p12.
Variant type: single nucleotide variant.
Coding change: c.1117A>G on transcript NM_000448.3 (MANE Select); coding-DNA position 1117, A replaced by G.
Protein change: p.Asn373Asp; replaces asparagine 373 with aspartic acid.
Molecular consequence: missense variant.
Genome position (GRCh38, 1-based): chr11:36,574,421, A>G. VCF-style: chr11-36574421-A-G. GRCh37 (hg19) VCF-style: chr11-36595971-A-G.
Other names: c.1117A>G, p.Asn373Asp (NM_001377277.1, NM_001377278.1, NM_001377279.1 and 1 more transcripts); short protein forms N373D.
Identifiers: ClinVar variation 2173602 (VCV002173602.5), dbSNP rs1006789212, ClinGen allele CA220600798.

ClinVar aggregate classification (germline): Uncertain significance. Review status: criteria provided, multiple submitters, no conflicts (2 of 4 stars). 2 submissions from 2 submitters: Uncertain significance (2). Last evaluated 2025-03-10.

Conditions:
Severe combined immunodeficiency, autosomal recessive, T cell-negative, B cell-negative, NK cell-positive. Also called: SCID, T CELL-NEGATIVE, B CELL-NEGATIVE, NK CELL-POSITIVE; SCID, AR, T-cell negative, B-cell negative, NK cell-positive; Severe combined immunodeficiency due to complete RAG1/2 deficiency. Identifiers: Orphanet 331206, MedGen C1832322, MONDO:0011086, OMIM 601457.
Combined immunodeficiency with skin granulomas. Identifiers: Orphanet 157949, MedGen C2673536, MONDO:0009306, OMIM 233650.

Allele frequency attached by ClinVar (database versions not stated): TOPMed 0.00002.
gnomAD v4.1: 9 of 1,614,222 alleles (0.00056%); highest among the groups gnomAD compares: Non-Finnish European, 0.00068%; no homozygotes.

Submissions (2):

Dasa
Classification: Uncertain significance. Last evaluated: 2025-03-10. Review status: criteria provided, single submitter. Criteria: DASA Assertion Criteria. Collection method: clinical testing. Allele origin: germline.
Comment: NM_000448.3(RAG1):c.1117A>G (p.Asn373Asp) is a missense variant that results in the substitution of asparagine with aspartic acid. This variant is rare in population databases. The currently available literature and clinical evidence are not sufficient to establish a definitive association between this variant and the reported condition. Therefore, this variant is classified as a variant of uncertain significance.

Labcorp Genetics (formerly Invitae), Labcorp
Classification: Uncertain significance for Combined immunodeficiency with skin granulomas; Severe combined immunodeficiency, autosomal recessive, T cell-negative, B cell-negative, NK cell-positive. Last evaluated: 2024-03-11. Review status: criteria provided, single submitter. Criteria: Invitae Variant Classification Sherloc (09022015). Collection method: clinical testing. Allele origin: germline.
Comment: This sequence change replaces asparagine, which is neutral and polar, with aspartic acid, which is acidic and polar, at codon 373 of the RAG1 protein (p.Asn373Asp). This variant is not present in population databases (gnomAD no frequency). This variant has not been reported in the literature in individuals affected with RAG1-related conditions. ClinVar contains an entry for this variant (Variation ID: 2173602). Advanced modeling of protein sequence and biophysical properties (such as structural, functional, and spatial information, amino acid conservation, physicochemical variation, residue mobility, and thermodynamic stability) performed at Invitae indicates that this missense variant is not expected to disrupt RAG1 protein function with a negative predictive value of 80%. In summary, the available evidence is currently insufficient to determine the role of this variant in disease. Therefore, it has been classified as a Variant of Uncertain Significance.